The following is an entry in ClinVar:

NM_000179.3(MSH6):c.*3dup

Gene: MSH6 (mutS homolog 6; plus strand). Cytogenetic location: 2p16.3.
Variant type: Duplication.
Coding change: c.*3dup on transcript NM_000179.3 (MANE Select); 3 bases downstream of the stop codon, one base duplicated (T; older notation c.*3dupT).
Molecular consequence: 3 prime UTR variant.
Genome position (GRCh38, 1-based): chr2:47,806,863, T duplicated. VCF-style (leftmost placement, unchanged base first): chr2-47806862-C-CT. GRCh37 (hg19) VCF-style: chr2-48034001-C-CT.
Other names: c.*3dup (NM_001281492.2, NM_001281493.2, NM_001281494.2).
Identifiers: ClinVar variation 920052 (VCV000920052.3), dbSNP rs1670231433, ClinGen allele CA1139656960.

ClinVar aggregate classification (germline): Uncertain significance (1 of 4 stars; one submission).

Conditions:
Hereditary cancer-predisposing syndrome. Also called: Neoplastic Syndromes, Hereditary; Tumor predisposition; Hereditary Cancer Syndrome; Hereditary neoplastic syndrome. Identifiers: Orphanet 140162, MedGen C0027672, MeSH D009386, MONDO:0015356.

Submission:

Color Diagnostics, LLC DBA Color Health
Classification: Uncertain significance for Hereditary cancer-predisposing syndrome. Last evaluated: 2019-08-09. Review status: criteria provided, single submitter. Criteria: ACMG Guidelines, 2015. Collection method: clinical testing. Allele origin: germline.
Comment: This variant is located in the third position (*3) of the 3' untranslated region in the MSH6 gene. Computational splicing tools suggest that this variant may not impact RNA splicing. To our knowledge, functional assays have not been performed for this variant nor has this variant been reported in individuals affected with hereditary cancer in the literature. This variant has not been identified in the general population by the Genome Aggregation Database (gnomAD). Available evidence is insufficient to determine the role of this variant in disease conclusively. Therefore, this variant is classified as a Variant of Uncertain Significance.